The following is an entry in ClinVar:

ClinVar aggregate classification (germline): Uncertain significance. Review status: criteria provided, multiple submitters, no conflicts (2 of 4 stars). 4 submissions from 4 submitters: Uncertain significance (3). 1 of the submissions does not count toward it. Last evaluated 2024-06-07.

Conditions:
Inborn genetic diseases. Identifiers: MedGen C0950123, MeSH D030342.
Bardet-Biedl syndrome 7 (BBS7). Identifiers: Orphanet 110, MedGen C1859565, MONDO:0014435, OMIM 615984.
BBS7-related disorder. Also called: BBS7-related condition.

Allele frequency attached by ClinVar (database versions not stated): gnomAD exomes below 0.00001; ExAC 0.00002.
gnomAD v4.1: 5 of 1,613,818 alleles (0.00031%); highest among the groups gnomAD compares: Non-Finnish European, 0.00042%; no homozygotes.

Submissions (4):

Fulgent Genetics
Classification: Uncertain significance for Bardet-Biedl syndrome 7. Last evaluated: 2024-06-07. Review status: criteria provided, single submitter. Criteria: ACMG Guidelines, 2015. Collection method: clinical testing. Allele origin: germline.

Ambry Genetics
Classification: Uncertain significance for Inborn genetic diseases. Last evaluated: 2023-10-05. Review status: criteria provided, single submitter. Criteria: Ambry Variant Classification Scheme 2023. Collection method: clinical testing. Allele origin: germline.

Blueprint Genetics
Classification: Uncertain significance. Last evaluated: 2022-02-14. Review status: criteria provided, single submitter. Criteria: ACMG Guidelines, 2015. Collection method: clinical testing. Allele origin: germline.

PreventionGenetics, part of Exact Sciences
Classification: Uncertain significance for BBS7-related condition. Last evaluated: 2024-03-28. Review status: no assertion criteria provided. Collection method: clinical testing. Allele origin: germline. Not counted in ClinVar's aggregate classification.
Comment: The BBS7 c.1487G>T variant is predicted to result in the amino acid substitution p.Arg496Ile. To our knowledge, this variant has not been reported in the literature. This variant is reported in 0.0018% of alleles in individuals of European (Non-Finnish) descent in gnomAD. At this time, the clinical significance of this variant is uncertain due to the absence of conclusive functional and genetic evidence.

NM_176824.3(BBS7):c.1487G>T (p.Arg496Ile)

Gene: BBS7 (Bardet-Biedl syndrome 7; minus strand). Cytogenetic location: 4q27.
Variant type: single nucleotide variant.
Coding change: c.1487G>T on transcript NM_176824.3 (MANE Select); coding-DNA position 1487, G replaced by T.
Protein change: p.Arg496Ile; replaces arginine 496 with isoleucine.
Molecular consequence: missense variant.
Genome position (GRCh38, 1-based): chr4:121,835,168, C>A on the plus strand (G>T on the coding strand, the complement: BBS7 is on the minus strand). VCF-style: chr4-121835168-C-A. GRCh37 (hg19) VCF-style: chr4-122756323-C-A.
Other names: c.1487G>T, p.Arg496Ile (NM_018190.4); short protein forms R496I.
Identifiers: ClinVar variation 3133170 (VCV003133170.4), dbSNP rs750133083, ClinGen allele CA3064217.